The following is an entry in ClinVar:

ClinVar aggregate classification (germline): Likely pathogenic (1 of 4 stars; one submission).

Conditions:
Wilson disease (WND). Also called: Wilson's disease. Identifiers: Orphanet 905, MedGen C0019202, MONDO:0010200, OMIM 277900. Disease mechanism: loss of function.

Allele frequency attached by ClinVar (database versions not stated): ExAC 0.00001.
gnomAD v4.1: 8 of 1,614,088 alleles (0.0005%); highest among the groups gnomAD compares: Non-Finnish European, 0.00068%; no homozygotes.

Submission:

Labcorp Genetics (formerly Invitae), Labcorp
Classification: Likely pathogenic for Wilson disease. Last evaluated: 2022-04-18. Review status: criteria provided, single submitter. Criteria: Invitae Variant Classification Sherloc (09022015). Collection method: clinical testing. Allele origin: germline.
Comment: This variant has not been reported in the literature in individuals affected with ATP7B-related conditions. This variant is present in population databases (rs753594031, gnomAD 0.0009%). This sequence change replaces glycine, which is neutral and non-polar, with aspartic acid, which is acidic and polar, at codon 1035 of the ATP7B protein (p.Gly1035Asp). Advanced modeling of protein sequence and biophysical properties (such as structural, functional, and spatial information, amino acid conservation, physicochemical variation, residue mobility, and thermodynamic stability) performed at Invitae indicates that this missense variant is expected to disrupt ATP7B protein function. In summary, the currently available evidence indicates that the variant is pathogenic, but additional data are needed to prove that conclusively. Therefore, this variant has been classified as Likely Pathogenic. This variant disrupts the p.Gly1035 amino acid residue in ATP7B. Other variant(s) that disrupt this residue have been determined to be pathogenic (PMID: 9311736, 10070620, 17587212, 21707886, 22940187). This suggests that this residue is clinically significant, and that variants that disrupt this residue are likely to be disease-causing.

Literature cited by the submitters: PubMed 9311736; PubMed 10070620; PubMed 17587212; PubMed 21707886; PubMed 22940187.

NM_000053.4(ATP7B):c.3104G>A (p.Gly1035Asp)

Gene: ATP7B (ATPase copper transporting beta; minus strand). Cytogenetic location: 13q14.3.
Variant type: single nucleotide variant.
Coding change: c.3104G>A on transcript NM_000053.4 (MANE Select); coding-DNA position 3104, G replaced by A.
Protein change: p.Gly1035Asp; replaces glycine 1035 with aspartic acid.
Molecular consequence: missense variant.
Genome position (GRCh38, 1-based): chr13:51,944,248, C>T on the plus strand (G>A on the coding strand, the complement: ATP7B is on the minus strand). VCF-style: chr13-51944248-C-T. GRCh37 (hg19) VCF-style: chr13-52518384-C-T.
Other names: c.2483G>A, p.Gly828Asp (NM_001005918.3); c.2771G>A, p.Gly924Asp (NM_001243182.2); c.2870G>A, p.Gly957Asp (NM_001330578.2, NM_001406527.1, NM_001406528.1 and 1 more transcripts); c.2852G>A, p.Gly951Asp (NM_001330579.2, NM_001406531.1, NM_001406532.1); c.3104G>A, p.Gly1035Asp (NM_001406511.1, NM_001406512.1, NM_001406526.1); c.3098G>A, p.Gly1033Asp (NM_001406513.1); c.3071G>A, p.Gly1024Asp (NM_001406514.1); c.3050G>A, p.Gly1017Asp (NM_001406515.1, NM_001406516.1); and 18 more; short protein forms G1017D, G754D, G886D, G919D, G939D, G955D, G819D, G976D.
Identifiers: ClinVar variation 2186226 (VCV002186226.4), dbSNP rs753594031, ClinGen allele CA6988809.